The following is an entry in ClinVar:

NM_000548.5(TSC2):c.482-17C>T

Gene: TSC2 (TSC complex subunit 2; plus strand). Cytogenetic location: 16p13.3.
Variant type: single nucleotide variant.
Coding change: c.482-17C>T on transcript NM_000548.5 (MANE Select); 17 bases into the intron before coding-DNA position 482, C replaced by T.
Molecular consequence: intron variant.
Genome position (GRCh38, 1-based): chr16:2,055,385, C>T. VCF-style: chr16-2055385-C-T. GRCh37 (hg19) VCF-style: chr16-2105386-C-T.
Other names: c.482-17C>T (NM_001114382.3, NM_021055.3, NM_001370405.1 and 3 more transcripts); c.371-17C>T (NM_001318827.2); c.-1-811C>T (NM_001318831.2); c.335-17C>T (NM_001318829.2); c.515-17C>T (NM_001318832.2).
Identifiers: ClinVar variation 383812 (VCV000383812.10), dbSNP rs201589515, ClinGen allele CA052574.

ClinVar aggregate classification (germline): Likely benign. Review status: criteria provided, multiple submitters, no conflicts (2 of 4 stars). 3 submissions from 3 submitters: Likely benign (3). Last evaluated 2025-12-26.

Conditions:
Tuberous sclerosis 2 (TSC2). Identifiers: Orphanet 805, MedGen C1860707, MONDO:0013199, OMIM 613254.

Allele frequency attached by ClinVar (database versions not stated): gnomAD 0.00001 and 0.00003; gnomAD exomes 0.00001; ExAC 0.00002; TOPMed 0.00005; 1000 Genomes Project 30x 0.00016; 1000 Genomes Project 0.00020.
gnomAD v4.1: 12 of 1,609,168 alleles (0.00075%); highest among the groups gnomAD compares: East Asian, 0.0089%; no homozygotes.

Submissions (3):

Labcorp Genetics (formerly Invitae), Labcorp
Classification: Likely benign for Tuberous sclerosis 2. Last evaluated: 2025-12-26. Review status: criteria provided, single submitter. Criteria: Invitae Variant Classification Sherloc (09022015). Collection method: clinical testing. Allele origin: germline.

Myriad Genetics, Inc.
Classification: Likely benign for Tuberous sclerosis 2. Last evaluated: 2025-05-07. Review status: criteria provided, single submitter. Criteria: Myriad Autosomal Dominant, Autosomal Recessive and X-Linked Classification Criteria (2023). Collection method: clinical testing. Allele origin: unknown.
Comment: This variant is considered likely benign. This variant is intronic and is not expected to impact mRNA splicing.

GeneDx
Classification: Likely benign. Last evaluated: 2018-01-12. Review status: criteria provided, single submitter. Criteria: GeneDx Variant Classification (06012015). Collection method: clinical testing. Allele origin: germline. Affected: yes.
Comment: This variant is considered likely benign or benign based on one or more of the following criteria: it is a conservative change, it occurs at a poorly conserved position in the protein, it is predicted to be benign by multiple in silico algorithms, and/or has population frequency not consistent with disease.